The following is an entry in ClinVar:

NM_002691.4(POLD1):c.304G>C (p.Asp102His)

Gene: POLD1 (DNA polymerase delta 1, catalytic subunit; plus strand). Cytogenetic location: 19q13.33.
Variant type: single nucleotide variant.
Coding change: c.304G>C on transcript NM_002691.4 (MANE Select); coding-DNA position 304, G replaced by C.
Protein change: p.Asp102His; replaces aspartic acid 102 with histidine.
Molecular consequence: missense variant. On other transcripts: non-coding transcript variant (1).
Genome position (GRCh38, 1-based): chr19:50,399,472, G>C. VCF-style: chr19-50399472-G-C. GRCh37 (hg19) VCF-style: chr19-50902729-G-C.
Other names: c.304G>C, p.Asp102His (NM_001256849.1, NM_001308632.1); short protein forms D102H.
Identifiers: ClinVar variation 2738242 (VCV002738242.3), dbSNP rs766784938, ClinGen allele CA406970655.

ClinVar aggregate classification (germline): Uncertain significance (1 of 4 stars; one submission).

Conditions:
POLD1-related polyposis and colorectal cancer syndrome (CRCS10). Also called: Colorectal cancer 10; Colorectal cancer, susceptibility to, 10; COLORECTAL CANCER, SUSCEPTIBILITY TO, ON CHROMOSOME 19q. Identifiers: Orphanet 220460, MedGen C2675481, MONDO:0012953, OMIM 612591.

Submission:

Labcorp Genetics (formerly Invitae), Labcorp
Classification: Uncertain significance for POLD1-related polyposis and colorectal cancer syndrome. Last evaluated: 2022-12-15. Review status: criteria provided, single submitter. Criteria: Invitae Variant Classification Sherloc (09022015). Collection method: clinical testing. Allele origin: germline.
Comment: In summary, the available evidence is currently insufficient to determine the role of this variant in disease. Therefore, it has been classified as a Variant of Uncertain Significance. Advanced modeling of protein sequence and biophysical properties (such as structural, functional, and spatial information, amino acid conservation, physicochemical variation, residue mobility, and thermodynamic stability) has been performed at Invitae for this missense variant, however the output from this modeling did not meet the statistical confidence thresholds required to predict the impact of this variant on POLD1 protein function. This variant has not been reported in the literature in individuals affected with POLD1-related conditions. This variant is not present in population databases (gnomAD no frequency). This sequence change replaces aspartic acid, which is acidic and polar, with histidine, which is basic and polar, at codon 102 of the POLD1 protein (p.Asp102His).